The following is an entry in ClinVar:

ClinVar aggregate classification (germline): Likely benign (1 of 4 stars; one submission).

Submission:

CeGaT Center for Human Genetics Tuebingen
Classification: Likely benign. Last evaluated: 2026-04-01. Review status: criteria provided, single submitter. Criteria: CeGaT Center For Human Genetics Tuebingen Variant Classification Criteria Version 2. Collection method: clinical testing. Allele origin: germline. Affected: yes. Observed: 1 variant allele.
Comment: GPX4: BP4, BP7

NM_002085.5(GPX4):c.*56C>T

Gene: GPX4 (glutathione peroxidase 4; plus strand). Cytogenetic location: 19p13.3.
Variant type: single nucleotide variant.
Coding change: c.*56C>T on transcript NM_002085.5 (MANE Select); 56 bases downstream of the stop codon, C replaced by T.
Molecular consequence: 3 prime UTR variant. On other transcripts: synonymous variant (1).
Genome position (GRCh38, 1-based): chr19:1,106,628, C>T. VCF-style: chr19-1106628-C-T. GRCh37 (hg19) VCF-style: chr19-1106627-C-T.
Other names: c.672C>T, p.His224= (NM_001039847.3); c.*56C>T (NM_001039848.4, NM_001367832.1).
Identifiers: ClinVar variation 4873297 (VCV004873297.2).